The following is an entry in ClinVar:

NM_000051.4(ATM):c.8672-5_8672-1delinsA

Genes: ATM (ATM serine/threonine kinase; plus strand), C11orf65 (chromosome 11 open reading frame 65; minus strand). Cytogenetic location: 11q22.3.
Variant type: Indel.
Coding change: c.8672-5_8672-1delinsA on transcript NM_000051.4 (MANE Select); 5 bases into the intron before coding-DNA position 8672 through the canonical splice acceptor site of the intron before coding-DNA position 8672, TTTAG replaced by A.
Molecular consequence: splice acceptor variant. On other transcripts: intron variant (2).
Genome position (GRCh38, 1-based): chr11:108,353,761-108,353,765, TTTAG replaced by A. VCF-style: chr11-108353761-TTTAG-A. GRCh37 (hg19) VCF-style: chr11-108224488-TTTAG-A.
Other names: c.8672-5_8672-1delinsA (NM_001351834.2); c.640+32155_640+32159delinsT (NM_001330368.2); c.695-18473_695-18469delinsT (NM_001351110.2).
Identifiers: ClinVar variation 3223350 (VCV003223350.1), dbSNP rs2547514174, ClinGen allele CA2825001987.
Genomic context (GRCh38, chr11:108,353,761, plus strand): 5'-TTCTAACTGGAAAGAAAGTAAATTAGCTGTCAAACCTCCTAACTTCACTGTATTCTTTAC[TTTAG>A]GTGTTGCTTTTGAACAGGGCAAAATCCTTCCTACTCCTGAGACAGTTCCTTTTAGACTCA-3'

ClinVar aggregate classification (germline): Likely pathogenic (1 of 4 stars; one submission).

Conditions:
Hereditary cancer-predisposing syndrome. Also called: Tumor predisposition; Hereditary Cancer Syndrome; Hereditary neoplastic syndrome; Neoplastic Syndromes, Hereditary. Identifiers: Orphanet 140162, MedGen C0027672, MeSH D009386, MONDO:0015356.

Submission:

Ambry Genetics
Classification: Likely pathogenic for Hereditary cancer-predisposing syndrome. Last evaluated: 2023-11-15. Review status: criteria provided, single submitter. Criteria: Ambry Variant Classification Scheme 2023. Collection method: clinical testing. Allele origin: germline.
Comment: The c.8672-5_8672-1delTTTAGinsA variant results from a deletion of 5 nucleotides and insertion of 1 nucleotide at positions c.8672-5 to c.8672-1 and involves the canonical splice acceptor site before coding exon 59 of the ATM gene. The canonical splice acceptor site is well conserved in available vertebrate species. In silico splice site analysis predicts that this alteration will result in the creation or strengthening of a novel splice acceptor site. RNA studies have demonstrated that this alteration results in abnormal splicing in the set of samples tested (Ambry internal data). This variant is considered to be rare based on population cohorts in the Genome Aggregation Database (gnomAD). Alterations that disrupt the canonical splice site are expected to cause aberrant splicing, resulting in an abnormal protein or a transcript that is subject to nonsense-mediated mRNA decay. As such, this alteration is classified as likely pathogenic.